The following is an entry in ClinVar:

ClinVar aggregate classification (germline): Likely benign. Review status: criteria provided, single submitter (1 of 4 stars). 3 submissions from 3 submitters: Likely benign (1). 2 of the submissions do not count toward it. Last evaluated 2026-01-11.

Conditions:
Combined malonic and methylmalonic acidemia. Identifiers: Orphanet 289504, MedGen C3280314, MONDO:0013661, OMIM 614265.
ACSF3-related disorder. Also called: ACSF3-related condition.

Allele frequency attached by ClinVar (database versions not stated): ExAC 0.00013; gnomAD exomes 0.00015; gnomAD 0.00020 and 0.00021; TOPMed 0.00020; 1000 Genomes Project 30x 0.00062; 1000 Genomes Project 0.00080.
gnomAD v4.1: 447 of 1,613,534 alleles (0.028%); highest among the groups gnomAD compares: South Asian, 0.041%; no homozygotes.

Submissions (3):

Labcorp Genetics (formerly Invitae), Labcorp
Classification: Likely benign for Combined malonic and methylmalonic acidemia. Last evaluated: 2026-01-11. Review status: criteria provided, single submitter. Criteria: Invitae Variant Classification Sherloc (09022015). Collection method: clinical testing. Allele origin: germline.

Natera, Inc.
Classification: Uncertain significance for Combined malonic and methylmalonic aciduria. Last evaluated: 2020-01-24. Review status: no assertion criteria provided. Collection method: clinical testing. Allele origin: germline. Not counted in ClinVar's aggregate classification.

PreventionGenetics, part of Exact Sciences
Classification: Likely benign for ACSF3-related condition. Last evaluated: 2019-03-27. Review status: no assertion criteria provided. Collection method: clinical testing. Allele origin: germline. Not counted in ClinVar's aggregate classification.
Comment: This variant is classified as likely benign based on ACMG/AMP sequence variant interpretation guidelines (Richards et al. 2015 PMID: 25741868, with internal and published modifications).

NM_001243279.3(ACSF3):c.1704G>A (p.Ala568=)

Gene: ACSF3 (acyl-CoA synthetase family member 3; plus strand). Cytogenetic location: 16q24.3.
Variant type: single nucleotide variant.
Coding change: c.1704G>A on transcript NM_001243279.3 (MANE Select); coding-DNA position 1704, G replaced by A.
Protein change: p.Ala568=; no amino-acid change (alanine 568 retained).
Molecular consequence: synonymous variant. On other transcripts: non-coding transcript variant (4).
Genome position (GRCh38, 1-based): chr16:89,154,180, G>A. VCF-style: chr16-89154180-G-A. GRCh37 (hg19) VCF-style: chr16-89220588-G-A.
Other names: c.1704G>A, p.Ala568= (NM_001127214.4, NM_174917.5); c.909G>A, p.Ala303= (NM_001284316.2).
Identifiers: ClinVar variation 755958 (VCV000755958.14), dbSNP rs539500659, ClinGen allele CA8238378.